The following is an entry in ClinVar:

ClinVar aggregate classification (germline): Conflicting classifications of pathogenicity. Review status: criteria provided, conflicting classifications (1 of 4 stars). 2 submissions from 2 submitters: Uncertain significance (1); Likely benign (1). Last evaluated 2024-06-24.

Conditions:
Charcot-Marie-Tooth disease axonal type 2P. Also called: CHARCOT-MARIE-TOOTH NEUROPATHY, TYPE 2P; CHARCOT-MARIE-TOOTH DISEASE, AXONAL, TYPE 2G; CMT 2G; Charcot-Marie-Tooth Neuropathy Type 2G. Identifiers: Orphanet 300319, Orphanet 99941, MedGen C3280797, MONDO:0013753, OMIM 614436.

Allele frequency attached by ClinVar (database versions not stated): TOPMed 0.00002; 1000 Genomes Project 30x 0.00016.
gnomAD v4.1: 76 of 1,613,928 alleles (0.0047%); highest among the groups gnomAD compares: East Asian, 0.15%; 1 homozygote.

Submissions (3):

Labcorp Genetics (formerly Invitae), Labcorp
Classification: Uncertain significance for Charcot-Marie-Tooth disease axonal type 2P. Last evaluated: 2024-06-24. Review status: criteria provided, single submitter. Criteria: Invitae Variant Classification Sherloc (09022015). Collection method: clinical testing. Allele origin: germline.
Comment: This sequence change replaces glycine, which is neutral and non-polar, with cysteine, which is neutral and slightly polar, at codon 644 of the LRSAM1 protein (p.Gly644Cys). This variant is present in population databases (rs201284198, gnomAD 0.03%). This missense change has been observed in individual(s) with Charcot-Marie-Tooth disease (PMID: 35922214). ClinVar contains an entry for this variant (Variation ID: 241838). Advanced modeling of protein sequence and biophysical properties (such as structural, functional, and spatial information, amino acid conservation, physicochemical variation, residue mobility, and thermodynamic stability) performed at Invitae indicates that this missense variant is not expected to disrupt LRSAM1 protein function with a negative predictive value of 80%. In summary, the available evidence is currently insufficient to determine the role of this variant in disease. Therefore, it has been classified as a Variant of Uncertain Significance.

Illumina Laboratory Services, Illumina
Classification: Likely benign for Charcot-Marie-Tooth disease axonal type 2P. Last evaluated: 2018-01-13. Review status: criteria provided, single submitter. Criteria: ICSL Variant Classification Criteria 13 December 2019. Collection method: clinical testing. Allele origin: germline.
Comment: This variant was observed in the ICSL laboratory as part of a predisposition screen in an ostensibly healthy population. It had not been previously curated by ICSL or reported in the Human Gene Mutation Database (HGMD: prior to June 1st, 2018), and was therefore a candidate for classification through an automated scoring system. Utilizing variant allele frequency, disease prevalence and penetrance estimates, and inheritance mode, an automated score was calculated to assess if this variant is too frequent to cause the disease. Based on the score and internal cut-off values, a variant classified as likely benign is not then subjected to further curation. The score for this variant resulted in a classification of likely benign for this disease.

Dr. Peter K. Rogan Lab, Western University
No classification provided (evidence only). Condition: Hepatocellular carcinoma. Review status: no classification provided. Collection method: in vitro. Allele origin: not applicable. Functional consequence: retained intron. Not counted in ClinVar's aggregate classification.

Literature cited by the submitters: PubMed 35922214 (cited by Labcorp Genetics (formerly Invitae), Labcorp).

NM_001005373.4(LRSAM1):c.1930G>T (p.Gly644Cys)

Gene: LRSAM1 (leucine rich repeat and sterile alpha motif containing 1; plus strand). Cytogenetic location: 9q34.11.
Variant type: single nucleotide variant.
Coding change: c.1930G>T on transcript NM_001005373.4 (MANE Select); coding-DNA position 1930, G replaced by T.
Protein change: p.Gly644Cys; replaces glycine 644 with cysteine.
Molecular consequence: missense variant. On other transcripts: non-coding transcript variant (2).
Genome position (GRCh38, 1-based): chr9:127,501,027, G>T. VCF-style: chr9-127501027-G-T. GRCh37 (hg19) VCF-style: chr9-130263306-G-T.
Other names: c.1930G>T, p.Gly644Cys (NM_001005374.4, NM_001384142.1, NM_138361.5); c.1849G>T, p.Gly617Cys (NM_001190723.3); c.1831G>T, p.Gly611Cys (NM_001384143.1); c.1141G>T, p.Gly381Cys (NM_001384144.1); short protein forms G644C, G617C, G381C, G611C.
Identifiers: ClinVar variation 241838 (VCV000241838.14), dbSNP rs201284198, ClinGen allele CA5247205.